The following is an entry in ClinVar:

NM_001206673.2(ABHD12B):c.132C>T (p.Leu44=)

Gene: ABHD12B (abhydrolase domain containing 12B; plus strand). Cytogenetic location: 14q22.1.
Variant type: single nucleotide variant.
Coding change: c.132C>T on transcript NM_001206673.2 (MANE Select); coding-DNA position 132, C replaced by T.
Protein change: p.Leu44=; no amino-acid change (leucine 44 retained).
Molecular consequence: synonymous variant. On other transcripts: intron variant (2).
Genome position (GRCh38, 1-based): chr14:50,877,979, C>T. VCF-style: chr14-50877979-C-T. GRCh37 (hg19) VCF-style: chr14-51344697-C-T.
Other names: c.-89-766C>T (NM_181533.4); c.105-2473C>T (NM_181814.2).
Identifiers: ClinVar variation 2644234 (VCV002644234.24), dbSNP rs573171806, ClinGen allele CA7182701.

ClinVar aggregate classification (germline): Likely benign (1 of 4 stars; one submission).

Allele frequency attached by ClinVar (database versions not stated): TOPMed 0.00016; gnomAD 0.00019; 1000 Genomes Project 30x 0.00031; 1000 Genomes Project 0.00040; ExAC 0.00042.
gnomAD v4.1: 412 of 1,533,738 alleles (0.027%); highest among the groups gnomAD compares: South Asian, 0.12%; no homozygotes.

Submission:

CeGaT Center for Human Genetics Tuebingen
Classification: Likely benign. Last evaluated: 2022-07-01. Review status: criteria provided, single submitter. Criteria: CeGaT Center For Human Genetics Tuebingen Variant Classification Criteria Version 2. Collection method: clinical testing. Allele origin: germline. Affected: yes. Observed: 1 variant allele.
Comment: ABHD12B: BP4, BP7